The following is an entry in ClinVar:

NM_002432.3(MNDA):c.1136G>T (p.Arg379Leu)

Gene: MNDA (myeloid cell nuclear differentiation antigen; plus strand). Cytogenetic location: 1q23.1.
Variant type: single nucleotide variant.
Coding change: c.1136G>T on transcript NM_002432.3 (MANE Select); coding-DNA position 1136, G replaced by T.
Protein change: p.Arg379Leu; replaces arginine 379 with leucine.
Molecular consequence: missense variant.
Genome position (GRCh38, 1-based): chr1:158,847,876, G>T. VCF-style: chr1-158847876-G-T. GRCh37 (hg19) VCF-style: chr1-158817666-G-T.
Other names: short protein forms R379L.
Identifiers: ClinVar variation 2621983 (VCV002621983.2), dbSNP rs146787746, ClinGen allele CA1185808.

ClinVar aggregate classification (germline): Uncertain significance (1 of 4 stars; one submission).

gnomAD v4.1: 5 of 1,613,898 alleles (0.00031%); highest among the groups gnomAD compares: Non-Finnish European, 0.00042%; no homozygotes.

Submission:

Ambry Genetics
Classification: Uncertain significance. Last evaluated: 2023-09-10. Review status: criteria provided, single submitter. Criteria: Ambry Variant Classification Scheme 2023. Collection method: clinical testing. Allele origin: germline.
Comment: The p.R379L variant (also known as c.1136G>T), located in coding exon 5 of the MNDA gene, results from a G to T substitution at nucleotide position 1136. The arginine at codon 379 is replaced by leucine, an amino acid with dissimilar properties. This amino acid position is conserved. In addition, this alteration is predicted to be tolerated by in silico analysis. Since supporting evidence is limited at this time, the clinical significance of this alteration remains unclear.